The following is an entry in ClinVar:

ClinVar aggregate classification (germline): Uncertain significance (1 of 4 stars; one submission).

Conditions:
Combined immunodeficiency due to MALT1 deficiency. Also called: Immunodeficiency 12. Identifiers: Orphanet 397964, MedGen C3809583, MONDO:0014197, OMIM 615468.

Allele frequency attached by ClinVar (database versions not stated): gnomAD exomes below 0.00001.
gnomAD v4.1: 1 of 1,581,982 alleles (0.000063%); highest among the groups gnomAD compares: Non-Finnish European, 0.000086%; no homozygotes.

Submission:

Labcorp Genetics (formerly Invitae), Labcorp
Classification: Uncertain significance for Combined immunodeficiency due to MALT1 deficiency. Last evaluated: 2021-09-17. Review status: criteria provided, single submitter. Criteria: Invitae Variant Classification Sherloc (09022015). Collection method: clinical testing. Allele origin: germline.
Comment: In summary, the available evidence is currently insufficient to determine the role of this variant in disease. Therefore, it has been classified as a Variant of Uncertain Significance. Algorithms developed to predict the effect of missense changes on protein structure and function (SIFT, PolyPhen-2, Align-GVGD) all suggest that this variant is likely to be tolerated. This variant has not been reported in the literature in individuals affected with MALT1-related conditions. This variant is not present in population databases (ExAC no frequency). This sequence change replaces threonine with isoleucine at codon 311 of the MALT1 protein (p.Thr311Ile). The threonine residue is weakly conserved and there is a moderate physicochemical difference between threonine and isoleucine.

NM_006785.4(MALT1):c.932C>T (p.Thr311Ile)

Gene: MALT1 (MALT1 paracaspase; plus strand). Cytogenetic location: 18q21.32.
Variant type: single nucleotide variant.
Coding change: c.932C>T on transcript NM_006785.4 (MANE Select); coding-DNA position 932, C replaced by T.
Protein change: p.Thr311Ile; replaces threonine 311 with isoleucine.
Molecular consequence: missense variant. On other transcripts: intron variant (1).
Genome position (GRCh38, 1-based): chr18:58,710,927, C>T. VCF-style: chr18-58710927-C-T. GRCh37 (hg19) VCF-style: chr18-56378159-C-T.
Other names: c.925+855C>T (NM_173844.3); short protein forms T311I.
Identifiers: ClinVar variation 1497654 (VCV001497654.6), dbSNP rs2144391492, ClinGen allele CA402573731.